The following is an entry in ClinVar:

NM_001040142.2(SCN2A):c.1635del (p.Arg545fs)

Gene: SCN2A (sodium voltage-gated channel alpha subunit 2; plus strand). Cytogenetic location: 2q24.3.
Variant type: Deletion.
Coding change: c.1635del on transcript NM_001040142.2 (MANE Select); coding-DNA position 1635, one base deleted (G; older notation c.1635delG).
Protein change: p.Arg545fs; shifts the reading frame from arginine 545.
Molecular consequence: frameshift variant.
Genome position (GRCh38, 1-based): chr2:165,315,722, G deleted; the last of 2 consecutive G bases (chr2:165,315,721-165,315,722); deleting either gives the same sequence. VCF-style (leftmost placement, unchanged base first): chr2-165315720-AG-A. GRCh37 (hg19) VCF-style: chr2-166172230-AG-A.
Other names: c.1634delG (NM_021007.3); c.1635del, p.Arg545fs (NM_001040143.2, NM_001371246.1, NM_001371247.1 and 1 more transcripts); short protein forms R545fs.
Identifiers: ClinVar variation 2502339 (VCV002502339.1), dbSNP rs2467909264, ClinGen allele CA2580614381.

ClinVar aggregate classification (germline): Likely pathogenic (1 of 4 stars; one submission).

Conditions:
Developmental and epileptic encephalopathy, 11 (DEE11). Also called: Early infantile epileptic encephalopathy 11. Identifiers: Orphanet 1934, MedGen C3150987, MONDO:0013388, OMIM 613721.

Submission:

Lifecell International Pvt. Ltd
Classification: Likely pathogenic for Developmental and epileptic encephalopathy, 11. Review status: criteria provided, single submitter. Criteria: ACMG Guidelines, 2015. Collection method: clinical testing. Allele origin: germline. Inheritance: Autosomal dominant inheritance. Affected: yes. Observed: 1 heterozygote.
Comment: A Heterozygous Frameshift variant c.1634delG in Exon 11 of the SCN2A gene that results in the amino acid substitution p.Arg545fs*2 was identified. The observed variant is novel in gnomAD exomes and genomes. The severity of the impact of this variant on the protein is high, based on the effect of the protein and REVEL score. Rare Exome Variant Ensemble Learner (REVEL) is an ensembl method for predicting the pathogenicity of missense variants based on a combination of scores from 13 individual tools: MutPred, FATHMM v2.3, VEST 3.0, PolyPhen- 2, SIFT, PROVEAN, MutationAssessor, MutationTaster, LRT, GERP++, SiPhy, phyloP, and phastCons. The REVEL score for an individual missense variant can range from 0 to 1, with higher scores reflecting greater likelihood that the variant is disease-causing. For these reasons, this variant has been classified as Likely Pathogenic.